The following is an entry in ClinVar:

NM_001267550.2(TTN):c.92677A>G (p.Lys30893Glu)

Genes: TTN (titin; minus strand), TTN-AS1 (TTN antisense RNA 1; plus strand). Cytogenetic location: 2q31.2.
Variant type: single nucleotide variant.
Coding change: c.92677A>G on transcript NM_001267550.2 (MANE Select); coding-DNA position 92677, A replaced by G.
Protein change: p.Lys30893Glu; replaces lysine 30893 with glutamic acid.
Molecular consequence: missense variant.
Genome position (GRCh38, 1-based): chr2:178,548,949, T>C on the plus strand (A>G on the coding strand, the complement: TTN is on the minus strand). VCF-style: chr2-178548949-T-C. GRCh37 (hg19) VCF-style: chr2-179413676-T-C.
Other names: c.87754A>G, p.Lys29252Glu (NM_001256850.1); c.65482A>G, p.Lys21828Glu (NM_003319.4); c.65857A>G, p.Lys21953Glu (NM_133432.3); c.66058A>G, p.Lys22020Glu (NM_133437.4); c.84973A>G, p.Lys28325Glu (NM_133378.4); short protein forms K28325E, K30893E, K21828E, K22020E, K21953E, K29252E.
Identifiers: ClinVar variation 165736 (VCV000165736.16), dbSNP rs370541682, ClinGen allele CA178444.
Genomic context (GRCh38, chr2:178,548,949, plus strand): 5'-TGCCAGTCACTTCACAGCTGTCGCCTTTTCCAGCACCATTGATAGCACTAACTCGGAATT[T>C]GTATTCTTCACCTGCTTGTAGATCAGTGACTGTATATCTTGTTTTCACACATGCCTCTGC-3'
Protein context (NP_001254479.2, residues 30883-30903): VTDLQAGEEY[Lys30893Glu]FRVSAINGAG

ClinVar aggregate classification (germline): Conflicting classifications of pathogenicity. Review status: criteria provided, conflicting classifications (1 of 4 stars). 7 submissions from 7 submitters: Uncertain significance (4); Likely benign (3). Last evaluated 2026-06-24.

Conditions:
TTN-related disorder. Also called: TTN-related condition; TTN-related disease; TTN-related disorders.
Cardiovascular phenotype. Identifiers: MedGen CN230736.
Dilated cardiomyopathy 1G (CMD1G). Identifiers: Orphanet 154, MedGen C1858763, MONDO:0011400, OMIM 604145.
Autosomal recessive limb-girdle muscular dystrophy type 2J (LGMDR10). Also called: Limb-girdle muscular dystrophy, type 2J; MUSCULAR DYSTROPHY, LIMB-GIRDLE, AUTOSOMAL RECESSIVE 10. Identifiers: Orphanet 140922, MedGen C1837342, MONDO:0012127, OMIM 608807.

Allele frequency attached by ClinVar (database versions not stated): gnomAD exomes 0.00001 and 0.00003; ExAC 0.00005; ESP Exome Variant Server 0.00008; gnomAD 0.00009 and 0.00011; TOPMed 0.00021.
gnomAD v4.1: 36 of 1,613,826 alleles (0.0022%); highest among the groups gnomAD compares: African/African-American, 0.036%; no homozygotes.

Submissions (7):

PreventionGenetics, part of Exact Sciences
Classification: Uncertain significance for TTN-related condition. Last evaluated: 2026-06-24. Review status: criteria provided, single submitter. Criteria: ACMG Guidelines, 2015. Collection method: clinical testing. Allele origin: germline.
Comment: The TTN c.92677A>G variant is predicted to result in the amino acid substitution p.Lys30893Glu. This variant has been reported as uncertain in an individual with dilated cardiomyopathy (Table S2, Haskell et al. 2017. PubMed ID: 28611029). This variant is reported in 0.029% of alleles in individuals of African descent in gnomAD and has conflicting interpretations regarding its pathogenicity in ClinVar, ranging from likely benign to uncertain (Variation ID: 165736). At this time, the clinical significance of this variant is uncertain due to the absence of conclusive functional and genetic evidence.

Molecular Diagnostic Laboratory for Inherited Cardiovascular Disease, Montreal Heart Institute
Classification: Likely benign. Last evaluated: 2025-04-09. Review status: criteria provided, single submitter. Criteria: ACMG Guidelines, 2015. Collection method: clinical testing. Allele origin: germline. Affected: no.

GeneDx
Classification: Likely benign. Last evaluated: 2020-11-10. Review status: criteria provided, single submitter. Criteria: GeneDx Variant Classification Process June 2021. Collection method: clinical testing. Allele origin: germline. Affected: yes.
Comment: This variant is associated with the following publications: (PMID: 28611029)

Revvity Omics, Revvity
Classification: Uncertain significance. Last evaluated: 2020-10-24. Review status: criteria provided, single submitter. Criteria: ACMG Guidelines, 2015. Collection method: clinical testing. Allele origin: germline.

Ambry Genetics
Classification: Likely benign for Cardiovascular phenotype. Last evaluated: 2020-03-31. Review status: criteria provided, single submitter. Criteria: Ambry Variant Classification Scheme 2023. Collection method: clinical testing. Allele origin: germline.

Labcorp Genetics (formerly Invitae), Labcorp
Classification: Uncertain significance for Dilated cardiomyopathy 1G; Autosomal recessive limb-girdle muscular dystrophy type 2J. Last evaluated: 2017-05-31. Review status: criteria provided, single submitter. Criteria: Invitae Variant Classification Sherloc (09022015). Collection method: clinical testing. Allele origin: germline.

Laboratory for Molecular Medicine, Mass General Brigham Personalized Medicine
Classification: Uncertain significance. Last evaluated: 2014-05-01. Review status: criteria provided, single submitter. Criteria: LMM Criteria. Collection method: clinical testing. Allele origin: germline. Observed: 1 variant allele.
Comment: The Lys28325Glu variant in TTN has not been previously reported in individuals w ith cardiomyopathy, but has been identified in 1/3927 African American chromosom es by the NHLBI Exome Sequencing Project. Co mputational prediction tools and conservation analysis do not provide strong sup port for or against an impact to the protein. In summary, the clinical significa nce of the Lys28325Glu variant is uncertain.

Literature cited by the submitters: PubMed 28611029 (cited by Ambry Genetics).